The following is an entry in ClinVar:

NM_003413.4(ZIC3):c.80T>C (p.Met27Thr)

Gene: ZIC3 (Zic family zinc finger 3; plus strand). Cytogenetic location: Xq26.3.
Variant type: single nucleotide variant.
Coding change: c.80T>C on transcript NM_003413.4 (MANE Select); coding-DNA position 80, T replaced by C.
Protein change: p.Met27Thr; replaces methionine 27 with threonine.
Molecular consequence: missense variant.
Genome position (GRCh38, 1-based): chrX:137,566,771, T>C. VCF-style: chrX-137566771-T-C. GRCh37 (hg19) VCF-style: chrX-136648930-T-C.
Other names: c.80T>C, p.Met27Thr (NM_001330661.1); short protein forms M27T.
Identifiers: ClinVar variation 3349101 (VCV003349101.1).

ClinVar aggregate classification (germline): Uncertain significance (0 of 4 stars; one submission).

Conditions:
ZIC3-related disorder. Also called: ZIC3-related condition; ZIC3-Related Disorders.

Submission:

PreventionGenetics, part of Exact Sciences
Classification: Uncertain significance for ZIC3-related condition. Last evaluated: 2024-04-17. Review status: no assertion criteria provided. Collection method: clinical testing. Allele origin: germline.
Comment: The ZIC3 c.80T>C variant is predicted to result in the amino acid substitution p.Met27Thr. To our knowledge, this variant has not been reported in the literature or in a large population database, indicating this variant is rare. At this time, the clinical significance of this variant is uncertain due to the absence of conclusive functional and genetic evidence.